The following is an entry in ClinVar:

NM_000398.7(CYB5R3):c.471C>T (p.Phe157=)

Gene: CYB5R3 (cytochrome b5 reductase 3; minus strand). Cytogenetic location: 22q13.2.
Variant type: single nucleotide variant.
Coding change: c.471C>T on transcript NM_000398.7 (MANE Select); coding-DNA position 471, C replaced by T.
Protein change: p.Phe157=; no amino-acid change (phenylalanine 157 retained).
Molecular consequence: synonymous variant.
Genome position (GRCh38, 1-based): chr22:42,627,681, G>A on the plus strand (C>T on the coding strand, the complement: CYB5R3 is on the minus strand). VCF-style: chr22-42627681-G-A. GRCh37 (hg19) VCF-style: chr22-43023687-G-A.
Other names: c.402C>T, p.Phe134= (NM_001129819.2, NM_001171661.1, NM_007326.4); c.570C>T, p.Phe190= (NM_001171660.2).
Identifiers: ClinVar variation 743551 (VCV000743551.13), dbSNP rs149158903, ClinGen allele CA10269726.

ClinVar aggregate classification (germline): Benign/Likely benign. Review status: criteria provided, multiple submitters, no conflicts (2 of 4 stars). 4 submissions from 4 submitters: Benign (1); Likely benign (2). 1 of the submissions does not count toward it. Last evaluated 2025-04-03.

Conditions:
CYB5R3-related disorder. Also called: CYB5R3-related condition.

Allele frequency attached by ClinVar (database versions not stated): gnomAD exomes 0.00025; ExAC 0.00026; 1000 Genomes Project 30x 0.00047; 1000 Genomes Project 0.00060; gnomAD 0.00070 and 0.00076; ESP Exome Variant Server 0.00077; TOPMed 0.00079.
gnomAD v4.1: 416 of 1,612,890 alleles (0.026%); highest among the groups gnomAD compares: African/African-American, 0.24%; no homozygotes.

Submissions (4):

Labcorp Genetics (formerly Invitae), Labcorp
Classification: Benign. Last evaluated: 2025-04-03. Review status: criteria provided, single submitter. Criteria: Invitae Variant Classification Sherloc (09022015). Collection method: clinical testing. Allele origin: germline.

ARUP Laboratories, Molecular Genetics and Genomics, ARUP Laboratories
Classification: Likely benign. Last evaluated: 2025-01-02. Review status: criteria provided, single submitter. Criteria: ARUP Molecular Germline Variant Investigation Process 2024. Collection method: clinical testing. Allele origin: germline.

Blueprint Genetics
Classification: Likely benign. Last evaluated: 2024-07-05. Review status: criteria provided, single submitter. Criteria: ACMG Guidelines, 2015. Collection method: clinical testing. Allele origin: germline.

PreventionGenetics, part of Exact Sciences
Classification: Likely benign for CYB5R3-related condition. Last evaluated: 2019-07-23. Review status: no assertion criteria provided. Collection method: clinical testing. Allele origin: germline. Not counted in ClinVar's aggregate classification.
Comment: This variant is classified as likely benign based on ACMG/AMP sequence variant interpretation guidelines (Richards et al. 2015 PMID: 25741868, with internal and published modifications).